The following is an entry in ClinVar:

ClinVar aggregate classification (germline): Uncertain significance. Review status: criteria provided, multiple submitters, no conflicts (2 of 4 stars). 3 submissions from 3 submitters: Uncertain significance (3). Last evaluated 2026-01-18.

Conditions:
Hereditary cancer-predisposing syndrome. Also called: Neoplastic Syndromes, Hereditary; Hereditary Cancer Syndrome; Hereditary neoplastic syndrome; Tumor predisposition. Identifiers: Orphanet 140162, MedGen C0027672, MeSH D009386, MONDO:0015356.
Cardiovascular phenotype. Identifiers: MedGen CN230736.
LZTR1-related schwannomatosis. Also called: Schwannomatosis 2; Schwannomatosis-2, susceptibility to. Identifiers: Orphanet 93921, MedGen C3810283, MONDO:0014299, OMIM 615670.

Allele frequency attached by ClinVar (database versions not stated): gnomAD exomes 0.00001; TOPMed 0.00001; ExAC 0.00004; 1000 Genomes Project 30x 0.00016; 1000 Genomes Project 0.00020.
gnomAD v4.1: 7 of 1,573,060 alleles (0.00044%); highest among the groups gnomAD compares: South Asian, 0.0012%; no homozygotes.

Submissions (3):

Labcorp Genetics (formerly Invitae), Labcorp
Classification: Uncertain significance. Last evaluated: 2026-01-18. Review status: criteria provided, single submitter. Criteria: Invitae Variant Classification Sherloc (09022015). Collection method: clinical testing. Allele origin: germline.
Comment: This sequence change replaces leucine, which is neutral and non-polar, with proline, which is neutral and non-polar, at codon 16 of the LZTR1 protein (p.Leu16Pro). This variant is present in population databases (rs578100969, gnomAD 0.004%). This variant has not been reported in the literature in individuals affected with LZTR1-related conditions. ClinVar contains an entry for this variant (Variation ID: 934595). Invitae Evidence Modeling of protein sequence and biophysical properties (such as structural, functional, and spatial information, amino acid conservation, physicochemical variation, residue mobility, and thermodynamic stability) has been performed for this missense variant. However, the output from this modeling did not meet the statistical confidence thresholds required to predict the impact of this variant on LZTR1 protein function. In summary, the available evidence is currently insufficient to determine the role of this variant in disease. Therefore, it has been classified as a Variant of Uncertain Significance.

Ambry Genetics
Classification: Uncertain significance for Cardiovascular phenotype; Hereditary cancer-predisposing syndrome. Last evaluated: 2025-11-23. Review status: criteria provided, single submitter. Criteria: Ambry Variant Classification Scheme 2023. Collection method: clinical testing. Allele origin: germline.

Baylor Genetics
Classification: Uncertain significance for LZTR1-related schwannomatosis. Last evaluated: 2023-12-19. Review status: criteria provided, single submitter. Criteria: ACMG Guidelines, 2015. Collection method: clinical testing. Allele origin: unknown.

NM_006767.4(LZTR1):c.47T>C (p.Leu16Pro)

Genes: LZTR1 (leucine zipper like post translational regulator 1; plus strand), LOC130067016 (ATAC-STARR-seq lymphoblastoid silent region 13504; plus strand). Cytogenetic location: 22q11.21.
Variant type: single nucleotide variant.
Coding change: c.47T>C on transcript NM_006767.4 (MANE Select); coding-DNA position 47, T replaced by C.
Protein change: p.Leu16Pro; replaces leucine 16 with proline.
Molecular consequence: missense variant.
Genome position (GRCh38, 1-based): chr22:20,982,418, T>C. VCF-style: chr22-20982418-T-C. GRCh37 (hg19) VCF-style: chr22-21336707-T-C.
Other names: short protein forms L16P.
Identifiers: ClinVar variation 934595 (VCV000934595.14), dbSNP rs578100969, ClinGen allele CA10118274.